The following is an entry in ClinVar:

NC_000019.10:g.56041089T>C

Gene: NLRP5 (NLR family pyrin domain containing 5; plus strand). Cytogenetic location: 19q13.43.
Variant type: single nucleotide variant.
Genome position: GRCh38 VCF-style: chr19-56041089-T-C. GRCh37 (hg19) VCF-style: chr19-56552455-T-C.
Identifiers: ClinVar variation 2571059 (VCV002571059.27), dbSNP rs2514466750, ClinGen allele CA407608097.

ClinVar aggregate classification (germline): Uncertain significance (1 of 4 stars; one submission).

Submission:

CeGaT Center for Human Genetics Tuebingen
Classification: Uncertain significance. Last evaluated: 2023-05-01. Review status: criteria provided, single submitter. Criteria: CeGaT Center For Human Genetics Tuebingen Variant Classification Criteria Version 2. Collection method: clinical testing. Allele origin: germline. Affected: yes. Observed: 1 variant allele.
Comment: NLRP5: PM2, PP4